The following is an entry in ClinVar:

NM_003128.3(SPTBN1):c.5150G>C (p.Arg1717Thr)

Gene: SPTBN1 (spectrin beta, non-erythrocytic 1; plus strand). Cytogenetic location: 2p16.2.
Variant type: single nucleotide variant.
Coding change: c.5150G>C on transcript NM_003128.3 (MANE Select); coding-DNA position 5150, G replaced by C.
Protein change: p.Arg1717Thr; replaces arginine 1717 with threonine.
Molecular consequence: missense variant.
Genome position (GRCh38, 1-based): chr2:54,649,138, G>C. VCF-style: chr2-54649138-G-C. GRCh37 (hg19) VCF-style: chr2-54876275-G-C.
Other names: c.5111G>C, p.Arg1704Thr (NM_178313.3); short protein forms R1704T, R1717T.
Identifiers: ClinVar variation 3347679 (VCV003347679.1).

ClinVar aggregate classification (germline): Uncertain significance (0 of 4 stars; one submission).

Conditions:
SPTBN1-related disorder. Also called: SPTBN1-related condition.

Submission:

PreventionGenetics, part of Exact Sciences
Classification: Uncertain significance for SPTBN1-related condition. Last evaluated: 2024-05-19. Review status: no assertion criteria provided. Collection method: clinical testing. Allele origin: germline.
Comment: The SPTBN1 c.5150G>C variant is predicted to result in the amino acid substitution p.Arg1717Thr. To our knowledge, this variant has not been reported in the literature or in a large population database, indicating it is rare. At this time, the clinical significance of this variant is uncertain due to the absence of conclusive functional and genetic evidence.